The following is an entry in ClinVar:

ClinVar aggregate classification (germline): Uncertain significance (1 of 4 stars; one submission).

Allele frequency attached by ClinVar (database versions not stated): gnomAD 0.00002; TOPMed 0.00002.
gnomAD v4.1: 22 of 1,577,314 alleles (0.0014%); highest among the groups gnomAD compares: East Asian, 0.007%; no homozygotes.

Submission:

GeneDx
Classification: Uncertain significance. Last evaluated: 2025-07-16. Review status: criteria provided, single submitter. Criteria: GeneDx Variant Classification Process June 2021. Collection method: clinical testing. Allele origin: germline.
Comment: In silico analysis suggests that this missense variant does not alter protein structure/function; Has not been previously published as pathogenic or benign to our knowledge

NM_017951.5(SMPD4):c.2333G>A (p.Arg778Gln)

Gene: SMPD4 (sphingomyelin phosphodiesterase 4; minus strand). Cytogenetic location: 2q21.1.
Variant type: single nucleotide variant.
Coding change: c.2333G>A on transcript NM_017951.5 (MANE Select); coding-DNA position 2333, G replaced by A.
Protein change: p.Arg778Gln; replaces arginine 778 with glutamine.
Molecular consequence: missense variant. On other transcripts: non-coding transcript variant (2).
Genome position (GRCh38, 1-based): chr2:130,152,706, C>T on the plus strand (G>A on the coding strand, the complement: SMPD4 is on the minus strand). VCF-style: chr2-130152706-C-T. GRCh37 (hg19) VCF-style: chr2-130910279-C-T.
Other names: c.2144G>A, p.Arg715Gln (NM_001171083.2); c.2363G>A, p.Arg788Gln (NM_017751.4); short protein forms R715Q, R778Q, R788Q.
Identifiers: ClinVar variation 1804251 (VCV001804251.2), dbSNP rs779013081, ClinGen allele CA1869435.